The following is an entry in ClinVar:

ClinVar aggregate classification (germline): Likely pathogenic (1 of 4 stars; one submission).

Conditions:
Retinitis pigmentosa (RP). Identifiers: Orphanet 791, MedGen C0035334, MeSH D012174, MONDO:0019200, OMIM 268000. Inheritance: Autosomal dominant, autosomal recessive and X linked inheritance.

Submission:

Ophthalmic Genetics Group, Institute of Molecular and Clinical Ophthalmology Basel
Classification: Likely pathogenic for Retinitis pigmentosa. Last evaluated: 2023-07-24. Review status: criteria provided, single submitter. Criteria: ACMG Guidelines, 2015. Collection method: research. Allele origin: germline. Affected: yes. Observed: 1 variant allele.
Comment: Clinical significance based on ACMG v2.0

This variant was classified as Likely pathogenic based on ACMG criteria: PVS1, PM2.

Literature cited by the submitters: PubMed 36909829.

NM_006915.3(RP2):c.225del (p.Phe75fs)

Gene: RP2 (RP2 activator of ARL3 GTPase; plus strand). Cytogenetic location: Xp11.3.
Variant type: Deletion.
Coding change: c.225del on transcript NM_006915.3 (MANE Select); coding-DNA position 225, one base deleted (T; older notation c.225delT).
Protein change: p.Phe75fs; shifts the reading frame from phenylalanine 75.
Molecular consequence: frameshift variant.
Genome position (GRCh38, 1-based): chrX:46,853,598, T deleted; the last of 5 consecutive T bases (chrX:46,853,594-46,853,598); deleting any one gives the same sequence. VCF-style (leftmost placement, unchanged base first): chrX-46853593-AT-A. GRCh37 (hg19) VCF-style: chrX-46713028-AT-A.
Other names: NC_000023.10:g.46713033del; NP_008846.2:p.(Phe75LeufsTer16); c.221del (NM_006915.3); short protein forms F75fs.
Identifiers: ClinVar variation 2577491 (VCV002577491.2), dbSNP rs2519913940, ClinGen allele CA2580617533.